The following is an entry in ClinVar:

ClinVar aggregate classification (germline): Uncertain significance (1 of 4 stars; one submission).

Submission:

CeGaT Center for Human Genetics Tuebingen
Classification: Uncertain significance. Last evaluated: 2024-01-01. Review status: criteria provided, single submitter. Criteria: CeGaT Center For Human Genetics Tuebingen Variant Classification Criteria Version 2. Collection method: clinical testing. Allele origin: germline. Affected: yes. Observed: 1 variant allele.
Comment: OCRL: PM2, PP2, PP3

NM_000276.4(OCRL):c.1654C>T (p.Arg552Cys)

Gene: OCRL (OCRL inositol polyphosphate-5-phosphatase; plus strand). Cytogenetic location: Xq26.1.
Variant type: single nucleotide variant.
Coding change: c.1654C>T on transcript NM_000276.4 (MANE Select); coding-DNA position 1654, C replaced by T.
Protein change: p.Arg552Cys; replaces arginine 552 with cysteine.
Molecular consequence: missense variant.
Genome position (GRCh38, 1-based): chrX:129,575,191, C>T. VCF-style: chrX-129575191-C-T. GRCh37 (hg19) VCF-style: chrX-128709168-C-T.
Other names: c.1654C>T, p.Arg552Cys (NM_001587.4); c.1657C>T, p.Arg553Cys (NM_001318784.2); short protein forms R552C, R553C.
Identifiers: ClinVar variation 3026713 (VCV003026713.22), dbSNP rs2521918149, ClinGen allele CA414617665.